The following is an entry in ClinVar:

ClinVar aggregate classification (germline): Uncertain significance (1 of 4 stars; one submission).

Conditions:
MC4R-related disorder. Also called: MC4R-related condition.

Submission:

PreventionGenetics, part of Exact Sciences
Classification: Uncertain significance for MC4R-related condition. Last evaluated: 2026-02-04. Review status: criteria provided, single submitter. Criteria: ACMG Guidelines, 2015. Collection method: clinical testing. Allele origin: germline.
Comment: The MC4R c.707G>T variant is predicted to result in the amino acid substitution p.Arg236Leu. To our knowledge, this variant has not been reported in the literature. This variant is reported in 0.00088% of alleles in individuals of European (Non-Finnish) descent in gnomAD. At this time, the clinical significance of this variant is uncertain due to the absence of conclusive functional and genetic evidence.

NM_005912.3(MC4R):c.707G>T (p.Arg236Leu)

Gene: MC4R (melanocortin 4 receptor; minus strand). Cytogenetic location: 18q21.32.
Variant type: single nucleotide variant.
Coding change: c.707G>T on transcript NM_005912.3 (MANE Select); coding-DNA position 707, G replaced by T.
Protein change: p.Arg236Leu; replaces arginine 236 with leucine.
Molecular consequence: missense variant.
Genome position (GRCh38, 1-based): chr18:60,371,643, C>A on the plus strand (G>T on the coding strand, the complement: MC4R is on the minus strand). VCF-style: chr18-60371643-C-A. GRCh37 (hg19) VCF-style: chr18-58038876-C-A.
Other names: short protein forms R236L.
Identifiers: ClinVar variation 4983420 (VCV004983420.1).
Genomic context (GRCh38, chr18:60,371,643, plus strand): 5'-ACAACAAAGACGCCAATCAGGATGGTCAAGGTAATCGCTCCCTTCATATTGGCACCTTGG[C>A]GGATGGCACCAGTGCCGGGGAGGACAGCAATCCTCTTAATGTGAAGCCTGGCCATCAGGA-3'
Protein context (NP_005903.2, residues 226-246): IAVLPGTGAI[Arg236Leu]QGANMKGAIT